The following is an entry in ClinVar:

NM_024496.4(IRF2BPL):c.342_350del (p.Gln125_Gln127del)

Gene: IRF2BPL (interferon regulatory factor 2 binding protein like; minus strand). Cytogenetic location: 14q24.3.
Variant type: Deletion.
Coding change: c.342_350del on transcript NM_024496.4 (MANE Select); coding-DNA positions 342 to 350, 9 bases deleted (ACAGCAGCA; older notation c.342_350delACAGCAGCA).
Protein change: p.Gln125_Gln127del.
Molecular consequence: inframe deletion.
Genome position (GRCh38, 1-based): chr14:77,027,443-77,027,451, TGCTGCTGT deleted on the plus strand (ACAGCAGCA on the coding strand, the reverse complement: IRF2BPL is on the minus strand); deleting any 9 consecutive bases within chr14:77,027,443-77,027,459 gives the same sequence; the c. name uses the placement nearest the transcript's 3' end. VCF-style (leftmost placement, unchanged base first): chr14-77027442-CTGCTGCTGT-C. GRCh37 (hg19) VCF-style: chr14-77493785-CTGCTGCTGT-C.
Other names: p.Gln125_Gln127del.
Identifiers: ClinVar variation 2644417 (VCV002644417.25), dbSNP rs749512842, ClinGen allele CA7284000.

ClinVar aggregate classification (germline): Likely benign. Review status: criteria provided, multiple submitters, no conflicts (2 of 4 stars). 2 submissions from 2 submitters: Likely benign (2). Last evaluated 2026-06-01.

Submissions (2):

CeGaT Center for Human Genetics Tuebingen
Classification: Likely benign. Last evaluated: 2026-06-01. Review status: criteria provided, single submitter. Criteria: CeGaT Center For Human Genetics Tuebingen Variant Classification Criteria Version 2. Collection method: clinical testing. Allele origin: germline. Affected: yes. Observed: 11 variant alleles.
Comment: IRF2BPL: BS1

Mayo Clinic Laboratories, Mayo Clinic
Classification: Likely benign. Last evaluated: 2025-02-18. Review status: criteria provided, single submitter. Criteria: ACMG Guidelines, 2015. Collection method: clinical testing. Allele origin: germline. Observed: 1 variant allele.
Comment: BS1, BP3